The following is an entry in ClinVar:

NM_138393.4(REEP6):c.305G>A (p.Ser102Asn)

Gene: REEP6 (receptor accessory protein 6; plus strand). Cytogenetic location: 19p13.3.
Variant type: single nucleotide variant.
Coding change: c.305G>A on transcript NM_138393.4 (MANE Select); coding-DNA position 305, G replaced by A.
Protein change: p.Ser102Asn; replaces serine 102 with asparagine.
Molecular consequence: missense variant.
Genome position (GRCh38, 1-based): chr19:1,495,564, G>A. VCF-style: chr19-1495564-G-A. GRCh37 (hg19) VCF-style: chr19-1495563-G-A.
Other names: c.305G>A, p.Ser102Asn (NM_001329556.3); short protein forms S102N.
Identifiers: ClinVar variation 1508463 (VCV001508463.6), dbSNP rs2145477930, ClinGen allele CA403056761.
Genomic context (GRCh38, chr19:1,495,564, plus strand): 5'-ACACTGTGTGGCTCACCTACTGGGTGGTGTACGCCCTGTTTGGGCTGGCCGAGTTCTTCA[G>A]CGATCTACTCCTGTCCTGGTTCCCTTTCTACTACGTGGGCAAGGTGGGCCCTGCCAGGGC-3'
Protein context (NP_612402.1, residues 92-112): YALFGLAEFF[Ser102Asn]DLLLSWFPFY

ClinVar aggregate classification (germline): Uncertain significance (1 of 4 stars; one submission).

Submission:

Labcorp Genetics (formerly Invitae), Labcorp
Classification: Uncertain significance. Last evaluated: 2021-07-28. Review status: criteria provided, single submitter. Criteria: Invitae Variant Classification Sherloc (09022015). Collection method: clinical testing. Allele origin: germline.
Comment: In summary, the available evidence is currently insufficient to determine the role of this variant in disease. Therefore, it has been classified as a Variant of Uncertain Significance. Experimental studies and prediction algorithms are not available or were not evaluated, and the functional significance of this variant is currently unknown. This variant has not been reported in the literature in individuals affected with REEP6-related conditions. This variant is not present in population databases (ExAC no frequency). This sequence change replaces serine with asparagine at codon 102 of the REEP6 protein (p.Ser102Asn). The serine residue is highly conserved and there is a small physicochemical difference between serine and asparagine.